The following is an entry in ClinVar:

NM_000334.4(SCN4A):c.1495del (p.Asp499fs)

Gene: SCN4A (sodium voltage-gated channel alpha subunit 4; minus strand). Cytogenetic location: 17q23.3.
Variant type: Deletion.
Coding change: c.1495del on transcript NM_000334.4 (MANE Select); coding-DNA position 1495, one base deleted (G; older notation c.1495delG).
Protein change: p.Asp499fs; shifts the reading frame from aspartic acid 499.
Molecular consequence: frameshift variant.
Genome position (GRCh38, 1-based): chr17:63,963,783, C deleted on the plus strand (G on the coding strand, the reverse complement: SCN4A is on the minus strand); the first of 4 consecutive C bases (chr17:63,963,783-63,963,786); deleting any one gives the same sequence. VCF-style (leftmost placement, unchanged base first): chr17-63963782-TC-T. GRCh37 (hg19) VCF-style: chr17-62041142-TC-T.
Other names: short protein forms D499fs.
Identifiers: ClinVar variation 2001963 (VCV002001963.4), dbSNP rs2509314301, ClinGen allele CA2580094688.

ClinVar aggregate classification (germline): Pathogenic (1 of 4 stars; one submission).

Conditions:
Hyperkalemic periodic paralysis. Also called: Familial hyperkalemic periodic paralysis; Gamstorp disease. Identifiers: Orphanet 682, MedGen C0238357, MONDO:0008224, OMIM 170500, HP:0007215.

Submission:

Labcorp Genetics (formerly Invitae), Labcorp
Classification: Pathogenic for Hyperkalemic periodic paralysis. Last evaluated: 2024-10-23. Review status: criteria provided, single submitter. Criteria: Invitae Variant Classification Sherloc (09022015). Collection method: clinical testing. Allele origin: germline.
Comment: This sequence change creates a premature translational stop signal (p.Asp499Thrfs*67) in the SCN4A gene. It is expected to result in an absent or disrupted protein product. Loss-of-function variants in SCN4A are known to be pathogenic (PMID: 26700687). This variant is not present in population databases (gnomAD no frequency). This variant has not been reported in the literature in individuals affected with SCN4A-related conditions. ClinVar contains an entry for this variant (Variation ID: 2001963). For these reasons, this variant has been classified as Pathogenic.

Literature cited by the submitters: PubMed 26700687.